The following is an entry in ClinVar:

NM_020461.4(TUBGCP6):c.2257G>A (p.Glu753Lys)

Gene: TUBGCP6 (tubulin gamma complex component 6; minus strand). Cytogenetic location: 22q13.33.
Variant type: single nucleotide variant.
Coding change: c.2257G>A on transcript NM_020461.4 (MANE Select); coding-DNA position 2257, G replaced by A.
Protein change: p.Glu753Lys; replaces glutamic acid 753 with lysine.
Molecular consequence: missense variant.
Genome position (GRCh38, 1-based): chr22:50,224,154, C>T on the plus strand (G>A on the coding strand, the complement: TUBGCP6 is on the minus strand). VCF-style: chr22-50224154-C-T. GRCh37 (hg19) VCF-style: chr22-50662583-C-T.
Other names: c.2257G>A (NM_020461.3); short protein forms E753K.
Identifiers: ClinVar variation 1983607 (VCV001983607.3), dbSNP rs915064141, ClinGen allele CA325463749.
Genomic context (GRCh38, chr22:50,224,154, plus strand): 5'-GCCCCTGCCGCACTGCACCCCTGGGCCTGGAGCCCGGGCTGCCCTACCTCGCCTTCCTCT[C>T]CAGCTCCTCCTCCAGGGACTTCAGCCTTCTCTCCCTGTCTCGGAGTTCACGGGCGTAGCT-3'
Protein context (NP_065194.3, residues 743-763): RRLKSLEEEL[Glu753Lys]RKARQALVDH

ClinVar aggregate classification (germline): Uncertain significance. Review status: criteria provided, multiple submitters, no conflicts (2 of 4 stars). 2 submissions from 2 submitters: Uncertain significance (2). Last evaluated 2023-05-16.

Conditions:
Inborn genetic diseases. Identifiers: MedGen C0950123, MeSH D030342.

Allele frequency attached by ClinVar (database versions not stated): gnomAD exomes below 0.00001; TOPMed below 0.00001; gnomAD 0.00001.
gnomAD v4.1: 8 of 1,613,556 alleles (0.0005%); highest among the groups gnomAD compares: Middle Eastern, 0.083%; no homozygotes.

Submissions (2):

Ambry Genetics
Classification: Uncertain significance for Inborn genetic diseases. Last evaluated: 2023-05-16. Review status: criteria provided, single submitter. Criteria: Ambry Variant Classification Scheme 2023. Collection method: clinical testing. Allele origin: germline.

Labcorp Genetics (formerly Invitae), Labcorp
Classification: Uncertain significance. Last evaluated: 2022-08-16. Review status: criteria provided, single submitter. Criteria: Invitae Variant Classification Sherloc (09022015). Collection method: clinical testing. Allele origin: germline.
Comment: This sequence change replaces glutamic acid, which is acidic and polar, with lysine, which is basic and polar, at codon 753 of the TUBGCP6 protein (p.Glu753Lys). This variant is present in population databases (no rsID available, gnomAD 0.007%). This variant has not been reported in the literature in individuals affected with TUBGCP6-related conditions. Algorithms developed to predict the effect of missense changes on protein structure and function are either unavailable or do not agree on the potential impact of this missense change (SIFT: "Tolerated"; PolyPhen-2: "Possibly Damaging"; Align-GVGD: "Class C0"). In summary, the available evidence is currently insufficient to determine the role of this variant in disease. Therefore, it has been classified as a Variant of Uncertain Significance.